The following is an entry in ClinVar:

NM_001394998.1(TANC2):c.6211G>T (p.Glu2071Ter)

Gene: TANC2 (tetratricopeptide repeat, ankyrin repeat and coiled-coil containing 2; plus strand). Cytogenetic location: 17q23.3.
Variant type: single nucleotide variant.
Coding change: c.6211G>T on transcript NM_001394998.1 (MANE Select); coding-DNA position 6211, G replaced by T.
Protein change: p.Glu2071Ter; replaces glutamic acid 2071 with a stop codon.
Molecular consequence: nonsense.
Genome position (GRCh38, 1-based): chr17:63,421,941, G>T. VCF-style: chr17-63421941-G-T. GRCh37 (hg19) VCF-style: chr17-61499302-G-T.
Other names: c.5959G>T, p.Glu1987Ter (NM_025185.4); short protein forms E1987*, E2071*.
Identifiers: ClinVar variation 1315986 (VCV001315986.3), dbSNP rs2147435817, ClinGen allele CA400549336.
Genomic context (GRCh38, chr17:63,421,941, plus strand): 5'-CTGTCCCGAGACTCTCGGCAAGGGCAGACATCCCCTATCAAACCAAAGAGACCGTTCGTG[G>T]AGTCTAATGTTTAAAAGACGTTTTGTTGGAGTGAGACCCATATGTTTTCACTGCACATTT-3'

ClinVar aggregate classification (germline): Uncertain significance (1 of 4 stars; one submission).

Submission:

GeneDx
Classification: Uncertain significance. Last evaluated: 2020-10-27. Review status: criteria provided, single submitter. Criteria: GeneDx Variant Classification Process June 2021. Collection method: clinical testing. Allele origin: germline. Affected: yes.
Comment: Not observed in large population cohorts (Lek et al., 2016); Nonsense variant predicted to result in protein truncation, although loss-of-function variants have not been reported downstream of this position in the protein; Has not been previously published as pathogenic or benign to our knowledge